The following is an entry in ClinVar:

ClinVar aggregate classification (germline): Pathogenic (1 of 4 stars; one submission).

Submission:

GeneDx
Classification: Pathogenic. Last evaluated: 2018-01-22. Review status: criteria provided, single submitter. Criteria: GeneDx Variant Classification (06012015). Collection method: clinical testing. Allele origin: germline. Affected: yes.
Comment: The c.2905_2906dupAA pathogenic variant in the DIAPH1 gene has not been reported previously as a pathogenic variant, nor as a benign variant, to our knowledge. The c.2905_2906dupAA variant causes a frameshift starting with codon Serine 970, changes this amino acid to a Arginine residue, and creates a premature Stop codon at position 9 of the new reading frame, denoted p.Ser970ArgfsX9. This variant is predicted to cause loss of normal protein function either through protein truncation or nonsense-mediated mRNA decay. The c.2905_2906dupAA variant is not observed in large population cohorts (Lek et al., 2016). We interpret c.2905_2906dupAA as a pathogenic variant.

NM_005219.5(DIAPH1):c.2905_2906dup (p.Ser970fs)

Gene: DIAPH1 (diaphanous related formin 1; minus strand). Cytogenetic location: 5q31.3.
Variant type: Duplication.
Coding change: c.2905_2906dup on transcript NM_005219.5 (MANE Select); coding-DNA positions 2905 to 2906, 2 bases duplicated (AA; older notation c.2905_2906dupAA).
Protein change: p.Ser970fs; shifts the reading frame from serine 970.
Molecular consequence: frameshift variant.
Genome position (GRCh38, 1-based): chr5:141,528,814-141,528,815, TT duplicated on the plus strand (AA on the coding strand, the reverse complement: DIAPH1 is on the minus strand). VCF-style (leftmost placement, unchanged base first): chr5-141528813-C-CTT. GRCh37 (hg19) VCF-style: chr5-140908380-C-CTT.
Other names: c.2905_2906dupAA (NM_005219.4); c.2878_2879dup, p.Ser961fs (NM_001079812.3); c.2905_2906dup, p.Ser970fs (NM_001314007.2); short protein forms S970fs, S961fs.
Identifiers: ClinVar variation 504168 (VCV000504168.1), dbSNP rs1554201397, ClinGen allele CA658796653.